The following is an entry in ClinVar:

NM_000293.3(PHKB):c.2086G>A (p.Val696Ile)

Gene: PHKB (phosphorylase kinase regulatory subunit beta; plus strand). Cytogenetic location: 16q12.1.
Variant type: single nucleotide variant.
Coding change: c.2086G>A on transcript NM_000293.3 (MANE Select); coding-DNA position 2086, G replaced by A.
Protein change: p.Val696Ile; replaces valine 696 with isoleucine.
Molecular consequence: missense variant.
Genome position (GRCh38, 1-based): chr16:47,660,709, G>A. VCF-style: chr16-47660709-G-A. GRCh37 (hg19) VCF-style: chr16-47694620-G-A.
Other names: c.2086G>A (NM_000293.2); c.2065G>A, p.Val689Ile (NM_001031835.3); c.2086G>A, p.Val696Ile (NM_001363837.1); short protein forms V689I, V696I.
Identifiers: ClinVar variation 2156384 (VCV002156384.2), dbSNP rs1340771051, ClinGen allele CA395788775.

ClinVar aggregate classification (germline): Uncertain significance. Review status: criteria provided, multiple submitters, no conflicts (2 of 4 stars). 2 submissions from 2 submitters: Uncertain significance (2). Last evaluated 2025-12-04.

Conditions:
Inborn genetic diseases. Identifiers: MedGen C0950123, MeSH D030342.
Glycogen storage disease IXb (GSD9B). Also called: GLYCOGENOSIS OF LIVER AND MUSCLE, AUTOSOMAL RECESSIVE; GSD IXb; PHOSPHORYLASE KINASE DEFICIENCY OF LIVER AND MUSCLE, AUTOSOMAL RECESSIVE. Identifiers: Orphanet 79240, MedGen C0543514, MONDO:0009868, OMIM 261750.

Allele frequency attached by ClinVar (database versions not stated): gnomAD exomes below 0.00001; TOPMed below 0.00001; gnomAD 0.00002.
gnomAD v4.1: 5 of 1,614,012 alleles (0.00031%); highest among the groups gnomAD compares: Admixed American, 0.0083%; 1 homozygote.

Submissions (2):

Ambry Genetics
Classification: Uncertain significance for Inborn genetic diseases. Last evaluated: 2025-12-04. Review status: criteria provided, single submitter. Criteria: Ambry Variant Classification Scheme 2023. Collection method: clinical testing. Allele origin: germline.

Labcorp Genetics (formerly Invitae), Labcorp
Classification: Uncertain significance for Glycogen storage disease IXb. Last evaluated: 2021-12-20. Review status: criteria provided, single submitter. Criteria: Invitae Variant Classification Sherloc (09022015). Collection method: clinical testing. Allele origin: germline.
Comment: This sequence change replaces valine, which is neutral and non-polar, with isoleucine, which is neutral and non-polar, at codon 696 of the PHKB protein (p.Val696Ile). This variant is present in population databases (no rsID available, gnomAD 0.1%). This variant has not been reported in the literature in individuals affected with PHKB-related conditions. Algorithms developed to predict the effect of missense changes on protein structure and function are either unavailable or do not agree on the potential impact of this missense change (SIFT: "Tolerated"; PolyPhen-2: "Possibly Damaging"; Align-GVGD: "Class C0"). In summary, the available evidence is currently insufficient to determine the role of this variant in disease. Therefore, it has been classified as a Variant of Uncertain Significance.